The following is an entry in ClinVar:

NM_019032.6(ADAMTSL4):c.1702dup (p.Glu568fs)

Genes: ADAMTSL4 (ADAMTS like 4; plus strand), ADAMTSL4-AS2 (ADAMTSL4 antisense RNA 2; minus strand). Cytogenetic location: 1q21.2.
Variant type: Duplication.
Coding change: c.1702dup on transcript NM_019032.6 (MANE Select); coding-DNA position 1702, one base duplicated (G; older notation c.1702dupG).
Protein change: p.Glu568fs; shifts the reading frame from glutamic acid 568.
Molecular consequence: frameshift variant.
Genome position (GRCh38, 1-based): chr1:150,556,746, G duplicated; the last of 4 consecutive G bases (chr1:150,556,743-150,556,746); duplicating any one gives the same sequence. VCF-style (leftmost placement, unchanged base first): chr1-150556742-A-AG. GRCh37 (hg19) VCF-style: chr1-150529218-A-AG.
Other names: c.1771dup, p.Glu591fs (NM_001288607.2, NM_001288608.2); c.1702dup, p.Glu568fs (NM_001378596.1, NM_025008.5); short protein forms E568fs, E591fs.
Identifiers: ClinVar variation 2635395 (VCV002635395.1), dbSNP rs746118823, ClinGen allele CA1078367.

ClinVar aggregate classification (germline): Likely pathogenic (1 of 4 stars; one submission).

Conditions:
ADAMTSL4-related disorder. Also called: ADAMTSL4-Related Disorders; ADAMTSL4-related condition.

Submission:

PreventionGenetics, part of Exact Sciences
Classification: Likely pathogenic for ADAMTSL4-related condition. Last evaluated: 2022-11-05. Review status: criteria provided, single submitter. Criteria: ACMG Guidelines, 2015. Collection method: clinical testing. Allele origin: germline.
Comment: The ADAMTSL4 c.1702dupG variant is predicted to result in a frameshift and premature protein termination (p.Glu568Glyfs*6). To our knowledge, this variant has not been reported in the literature. This variant is reported in 0.00088% of alleles in individuals of European (Non-Finnish) descent in gnomAD. Frameshift variants in ADAMTSL4 are expected to be pathogenic and therefore we interpret c.1702dup (p.Glu568Glyfs*6) as likely pathogenic.